The following is an entry in ClinVar:

ClinVar aggregate classification (germline): Uncertain significance (1 of 4 stars; one submission).

Conditions:
Charcot-Marie-Tooth disease axonal type 2O. Also called: CHARCOT-MARIE-TOOTH NEUROPATHY, AXONAL, TYPE 2O; CHARCOT-MARIE-TOOTH DISEASE, AXONAL, AUTOSOMAL DOMINANT, TYPE 2O; Charcot-Marie-Tooth Neuropathy Type 2O; Charcot-Marie-Tooth disease, axonal, type 20. Identifiers: Orphanet 284232, MedGen C3280220, MONDO:0013644, OMIM 614228.

Submission:

Labcorp Genetics (formerly Invitae), Labcorp
Classification: Uncertain significance for Charcot-Marie-Tooth disease axonal type 2O. Last evaluated: 2025-02-04. Review status: criteria provided, single submitter. Criteria: Invitae Variant Classification Sherloc (09022015). Collection method: clinical testing. Allele origin: germline.
Comment: This sequence change replaces valine, which is neutral and non-polar, with methionine, which is neutral and non-polar, at codon 2687 of the DYNC1H1 protein (p.Val2687Met). This variant is not present in population databases (gnomAD no frequency). This variant has not been reported in the literature in individuals affected with DYNC1H1-related conditions. Invitae Evidence Modeling of protein sequence and biophysical properties (such as structural, functional, and spatial information, amino acid conservation, physicochemical variation, residue mobility, and thermodynamic stability) has been performed for this missense variant. However, the output from this modeling did not meet the statistical confidence thresholds required to predict the impact of this variant on DYNC1H1 protein function. In summary, the available evidence is currently insufficient to determine the role of this variant in disease. Therefore, it has been classified as a Variant of Uncertain Significance.

NM_001376.5(DYNC1H1):c.8059G>A (p.Val2687Met)

Gene: DYNC1H1 (dynein cytoplasmic 1 heavy chain 1; plus strand). Cytogenetic location: 14q32.31.
Variant type: single nucleotide variant.
Coding change: c.8059G>A on transcript NM_001376.5 (MANE Select); coding-DNA position 8059, G replaced by A.
Protein change: p.Val2687Met; replaces valine 2687 with methionine.
Molecular consequence: missense variant.
Genome position (GRCh38, 1-based): chr14:102,017,386, G>A. VCF-style: chr14-102017386-G-A. GRCh37 (hg19) VCF-style: chr14-102483723-G-A.
Other names: short protein forms V2687M.
Identifiers: ClinVar variation 4796982 (VCV004796982.1).